The following is an entry in ClinVar:

ClinVar aggregate classification (germline): Uncertain significance (1 of 4 stars; one submission).

Submission:

Women's Health and Genetics/Laboratory Corporation of America, LabCorp
Classification: Uncertain significance. Last evaluated: 2026-04-14. Review status: criteria provided, single submitter. Criteria: LabCorp Variant Classification Summary - May 2015. Collection method: clinical testing. Allele origin: germline.
Comment: Variant summary: The variant involves the duplication of exon 1 in the ARID1A gene. The exact breakpoint at the 5' end of this variant is unknown, therefore this duplication may extend upstream of the annotated region of this gene. It is predicted to duplicate a segment including the initiation codon, therefore its impact on the encoded protein is unknown. A presumed nomenclature of c.(?_-390)_(1137+1_1138-1)dup has been designated for the purposes of this classification. The variant was absent in 21694 control chromosomes (gnomAD). The available data on variant occurrences in the general population are insufficient to allow any conclusion about variant significance. To our knowledge, no occurrence of c.(?_-390)_(1137+1_1138-1)dup in individuals affected with ARID1A-related conditions and no experimental evidence demonstrating its impact on protein function have been reported. No submitters have cited clinical-significance assessments for this variant to ClinVar. Based on the evidence outlined above, the variant was classified as uncertain significance.

NC_000001.10:g.(?_27022505)_(27024032_27056141)dup

Gene: ARID1A (AT-rich interaction domain 1A; plus strand). Cytogenetic location: 1p36.11.
Variant type: Duplication.
Identifiers: ClinVar variation 4848579 (VCV004848579.1).